The following is an entry in ClinVar:

NM_017514.5(PLXNA3):c.2655G>A (p.Pro885=)

Gene: PLXNA3 (plexin A3; plus strand). Cytogenetic location: Xq28.
Variant type: single nucleotide variant.
Coding change: c.2655G>A on transcript NM_017514.5 (MANE Select); coding-DNA position 2655, G replaced by A.
Protein change: p.Pro885=; no amino-acid change (proline 885 retained).
Molecular consequence: synonymous variant.
Genome position (GRCh38, 1-based): chrX:154,466,057, G>A. VCF-style: chrX-154466057-G-A. GRCh37 (hg19) VCF-style: chrX-153694400-G-A.
Identifiers: ClinVar variation 2629470 (VCV002629470.1), dbSNP rs782464424, ClinGen allele CA10564432.

ClinVar aggregate classification (germline): Uncertain significance (1 of 4 stars; one submission).

Conditions:
PLXNA3-related disorder. Also called: PLXNA3-related condition.

Allele frequency attached by ClinVar (database versions not stated): TOPMed below 0.00001; gnomAD 0.00003.

Submission:

PreventionGenetics, part of Exact Sciences
Classification: Uncertain significance for PLXNA3-related condition. Last evaluated: 2023-01-31. Review status: criteria provided, single submitter. Criteria: ACMG Guidelines, 2015. Collection method: clinical testing. Allele origin: germline.
Comment: The PLXNA3 c.2655G>A variant is not predicted to result in an amino acid change (p.=). To our knowledge, this variant has not been reported in the literature. It is documented in two heterozygous individuals and one hemizygous individual of unknown phenotype in the gnomAD database. This variant is reported in 0.0053% of alleles in individuals of African descent in gnomAD. At this time, the clinical significance of this variant is uncertain due to the absence of conclusive functional and genetic evidence.